The following is an entry in ClinVar:

NM_004628.5(XPC):c.94G>T (p.Glu32Ter)

Genes: XPC (XPC complex subunit, DNA damage recognition and repair factor; minus strand), LOC129936244 (ATAC-STARR-seq lymphoblastoid active region 19500; plus strand). Cytogenetic location: 3p25.1.
Variant type: single nucleotide variant.
Coding change: c.94G>T on transcript NM_004628.5 (MANE Select); coding-DNA position 94, G replaced by T.
Protein change: p.Glu32Ter; replaces glutamic acid 32 with a stop codon.
Molecular consequence: nonsense. On other transcripts: 5 prime UTR variant (1), non-coding transcript variant (2), intron variant (1).
Genome position (GRCh38, 1-based): chr3:14,178,475, C>A on the plus strand (G>T on the coding strand, the complement: XPC is on the minus strand). VCF-style: chr3-14178475-C-A. GRCh37 (hg19) VCF-style: chr3-14219975-C-A.
Other names: c.-362G>T (NM_001354726.2); c.94G>T, p.Glu32Ter (NM_001354727.2, NM_001354730.2); c.85+9G>T (NM_001354729.2); short protein forms E32*.
Identifiers: ClinVar variation 2769624 (VCV002769624.3), dbSNP rs768907247, ClinGen allele CA351543612.

ClinVar aggregate classification (germline): Pathogenic (1 of 4 stars; one submission).

Submission:

Labcorp Genetics (formerly Invitae), Labcorp
Classification: Pathogenic. Last evaluated: 2023-10-17. Review status: criteria provided, single submitter. Criteria: Invitae Variant Classification Sherloc (09022015). Collection method: clinical testing. Allele origin: germline.
Comment: This sequence change creates a premature translational stop signal (p.Glu32*) in the XPC gene. It is expected to result in an absent or disrupted protein product. Loss-of-function variants in XPC are known to be pathogenic (PMID: 23173980, 25256075). This variant is not present in population databases (gnomAD no frequency). This variant has not been reported in the literature in individuals affected with XPC-related conditions. For these reasons, this variant has been classified as Pathogenic.

Literature cited by the submitters: PubMed 23173980; PubMed 25256075.